The following is an entry in ClinVar:

ClinVar aggregate classification (germline): Uncertain significance. Review status: criteria provided, multiple submitters, no conflicts (2 of 4 stars). 2 submissions from 2 submitters: Uncertain significance (2). Last evaluated 2022-08-31.

Conditions:
Hereditary spastic paraplegia 4. Also called: Spastic paraplegia 4, autosomal dominant; Familial spastic paraplegia autosomal dominant 2; Spastic Paraplegia 4. Identifiers: Orphanet 100985, MedGen C1866855, MONDO:0008438, OMIM 182601.

Submissions (2):

Labcorp Genetics (formerly Invitae), Labcorp
Classification: Uncertain significance for Hereditary spastic paraplegia 4. Last evaluated: 2022-08-31. Review status: criteria provided, single submitter. Criteria: Invitae Variant Classification Sherloc (09022015). Collection method: clinical testing. Allele origin: germline.
Comment: ClinVar contains an entry for this variant (Variation ID: 952554). In summary, the available evidence is currently insufficient to determine the role of this variant in disease. Therefore, it has been classified as a Variant of Uncertain Significance. Advanced modeling of protein sequence and biophysical properties (such as structural, functional, and spatial information, amino acid conservation, physicochemical variation, residue mobility, and thermodynamic stability) performed at Invitae indicates that this missense variant is expected to disrupt SPAST protein function. This variant has not been reported in the literature in individuals affected with SPAST-related conditions. This variant is not present in population databases (gnomAD no frequency). This sequence change replaces methionine, which is neutral and non-polar, with threonine, which is neutral and polar, at codon 483 of the SPAST protein (p.Met483Thr).

Clinical Genetics Laboratory, Skane University Hospital Lund
Classification: Uncertain significance. Last evaluated: 2022-05-27. Review status: criteria provided, single submitter. Criteria: ACMG Guidelines, 2015. Collection method: clinical testing. Allele origin: germline. Affected: yes.

NM_014946.4(SPAST):c.1448T>C (p.Met483Thr)

Gene: SPAST (spastin; plus strand). Cytogenetic location: 2p22.3.
Variant type: single nucleotide variant.
Coding change: c.1448T>C on transcript NM_014946.4 (MANE Select); coding-DNA position 1448, T replaced by C.
Protein change: p.Met483Thr; replaces methionine 483 with threonine.
Molecular consequence: missense variant.
Genome position (GRCh38, 1-based): chr2:32,137,143, T>C. VCF-style: chr2-32137143-T-C. GRCh37 (hg19) VCF-style: chr2-32362212-T-C.
Other names: c.1445T>C, p.Met482Thr (NM_001363823.2); c.1349T>C, p.Met450Thr (NM_001363875.2); c.1352T>C, p.Met451Thr (NM_001377959.1, NM_199436.2); short protein forms M451T, M482T, M450T, M483T.
Identifiers: ClinVar variation 952554 (VCV000952554.7), dbSNP rs1679565382, ClinGen allele CA346502450.